The following is an entry in ClinVar:

ClinVar aggregate classification (germline): Uncertain significance (1 of 4 stars; one submission).

Allele frequency attached by ClinVar (database versions not stated): gnomAD exomes below 0.00001.
gnomAD v4.1: 1 of 1,613,976 alleles (0.000062%); highest among the groups gnomAD compares: Non-Finnish European, 0.000085%; no homozygotes.

Submission:

Labcorp Genetics (formerly Invitae), Labcorp
Classification: Uncertain significance. Last evaluated: 2023-10-13. Review status: criteria provided, single submitter. Criteria: Invitae Variant Classification Sherloc (09022015). Collection method: clinical testing. Allele origin: germline.
Comment: This sequence change replaces glutamic acid, which is acidic and polar, with lysine, which is basic and polar, at codon 449 of the SAMD9L protein (p.Glu449Lys). This variant is not present in population databases (gnomAD no frequency). This variant has not been reported in the literature in individuals affected with SAMD9L-related conditions. ClinVar contains an entry for this variant (Variation ID: 1974187). Advanced modeling of protein sequence and biophysical properties (such as structural, functional, and spatial information, amino acid conservation, physicochemical variation, residue mobility, and thermodynamic stability) performed at Invitae indicates that this missense variant is not expected to disrupt SAMD9L protein function. In summary, the available evidence is currently insufficient to determine the role of this variant in disease. Therefore, it has been classified as a Variant of Uncertain Significance.

NM_152703.5(SAMD9L):c.1345G>A (p.Glu449Lys)

Gene: SAMD9L (sterile alpha motif domain containing 9 like; minus strand). Cytogenetic location: 7q21.2.
Variant type: single nucleotide variant.
Coding change: c.1345G>A on transcript NM_152703.5 (MANE Select); coding-DNA position 1345, G replaced by A.
Protein change: p.Glu449Lys; replaces glutamic acid 449 with lysine.
Molecular consequence: missense variant.
Genome position (GRCh38, 1-based): chr7:93,134,627, C>T on the plus strand (G>A on the coding strand, the complement: SAMD9L is on the minus strand). VCF-style: chr7-93134627-C-T. GRCh37 (hg19) VCF-style: chr7-92763940-C-T.
Other names: c.1345G>A, p.Glu449Lys (NM_001303496.3, NM_001303497.3, NM_001303498.3 and 5 more transcripts); short protein forms E449K.
Identifiers: ClinVar variation 1974187 (VCV001974187.5), dbSNP rs2535429169, ClinGen allele CA368197266.